The following is an entry in ClinVar:

NM_000133.4(F9):c.1147C>G (p.Leu383Val)

Gene: F9 (coagulation factor IX; plus strand). Cytogenetic location: Xq27.1.
Variant type: single nucleotide variant.
Coding change: c.1147C>G on transcript NM_000133.4 (MANE Select); coding-DNA position 1147, C replaced by G.
Protein change: p.Leu383Val; replaces leucine 383 with valine.
Molecular consequence: missense variant.
Genome position (GRCh38, 1-based): chrX:139,561,832, C>G. VCF-style: chrX-139561832-C-G. GRCh37 (hg19) VCF-style: chrX-138643991-C-G.
Other names: c.1033C>G, p.Leu345Val (NM_001313913.2); short protein forms L345V, L383V.
Identifiers: ClinVar variation 1061742 (VCV001061742.9), dbSNP rs1677128088, ClinGen allele CA414446177.
Genomic context (GRCh38, chrX:139,561,832, plus strand): 5'-GGGAGATCAGCTTTAGTTCTTCAGTACCTTAGAGTTCCACTTGTTGACCGAGCCACATGT[C>G]TTCGATCTACAAAGTTCACCATCTATAACAACATGTTCTGTGCTGGCTTCCATGAAGGAG-3'
Protein context (NP_000124.1, residues 373-393): RVPLVDRATC[Leu383Val]RSTKFTIYNN

ClinVar aggregate classification (germline): Uncertain significance (1 of 4 stars; one submission).

Conditions:
Hereditary factor IX deficiency disease (HEMB). Also called: Hemophilia B; PLASMA THROMBOPLASTIN COMPONENT DEFICIENCY; Christmas Disease; F9 DEFICIENCY; FACTOR IX DEFICIENCY. Identifiers: Orphanet 98879, MedGen C0008533, MeSH D002836, MONDO:0010604, OMIM 306900.
Thrombophilia, X-linked, due to factor 9 defect. Identifiers: MedGen C2749016, MONDO:0010432, OMIM 300807.

Submission:

Labcorp Genetics (formerly Invitae), Labcorp
Classification: Uncertain significance for Thrombophilia, X-linked, due to factor 9 defect; Hereditary factor IX deficiency disease. Last evaluated: 2020-10-19. Review status: criteria provided, single submitter. Criteria: Invitae Variant Classification Sherloc (09022015). Collection method: clinical testing. Allele origin: germline.
Comment: Variants that disrupt the Leu383 (also known as Leu337) amino acid residue in F9 have been observed in affected individuals (PMID: 23913812, 22639855, 19699296, 23617593). This suggests that it is a clinically significant residue, and that variants that disrupt this residue are likely to be causative of disease. In summary, the available evidence is currently insufficient to determine the role of this variant in disease. Therefore, it has been classified as a Variant of Uncertain Significance. This variant has not been reported in the literature in individuals with F9-related conditions. Advanced modeling of protein sequence and biophysical properties (such as structural, functional, and spatial information, amino acid conservation, physicochemical variation, residue mobility, and thermodynamic stability) performed at Invitae indicates that this missense variant is not expected to disrupt F9 protein function. This variant is not present in population databases (ExAC no frequency). This sequence change replaces leucine with valine at codon 383 of the F9 protein (p.Leu383Val). The leucine residue is moderately conserved and there is a small physicochemical difference between leucine and valine.

Literature cited by the submitters: PubMed 23913812; PubMed 22639855; PubMed 19699296; PubMed 23617593.